The following is an entry in ClinVar:

ClinVar aggregate classification (germline): Uncertain significance. Review status: criteria provided, multiple submitters, no conflicts (2 of 4 stars). 5 submissions from 5 submitters: Uncertain significance (5). Last evaluated 2024-12-02.

Conditions:
Cerebellar atrophy with seizures and variable developmental delay. Identifiers: MedGen C5193132, MONDO:0032788, OMIM 618501.
Developmental and epileptic encephalopathy. Identifiers: MedGen C5779964, MONDO:0100620.
Inborn genetic diseases. Identifiers: MedGen C0950123, MeSH D030342.

Allele frequency attached by ClinVar (database versions not stated): gnomAD 0.00003 and 0.00004; TOPMed 0.00004; gnomAD exomes 0.00006; ESP Exome Variant Server 0.00008; ExAC 0.00010.
gnomAD v4.1: 162 of 1,593,950 alleles (0.01%); highest among the groups gnomAD compares: Middle Eastern, 0.18%; no homozygotes.

Submissions (5):

Labcorp Genetics (formerly Invitae), Labcorp
Classification: Uncertain significance for Early-infantile DEE. Last evaluated: 2024-12-02. Review status: criteria provided, single submitter. Criteria: Invitae Variant Classification Sherloc (09022015). Collection method: clinical testing. Allele origin: germline.
Comment: This sequence change replaces arginine, which is basic and polar, with tryptophan, which is neutral and slightly polar, at codon 75 of the CACNA2D2 protein (p.Arg75Trp). This variant is present in population databases (rs372777713, gnomAD 0.01%). This variant has not been reported in the literature in individuals affected with CACNA2D2-related conditions. ClinVar contains an entry for this variant (Variation ID: 863596). An algorithm developed to predict the effect of missense changes on protein structure and function (PolyPhen-2) suggests that this variant is likely to be disruptive. In summary, the available evidence is currently insufficient to determine the role of this variant in disease. Therefore, it has been classified as a Variant of Uncertain Significance.

Ambry Genetics
Classification: Uncertain significance for Inborn genetic diseases. Last evaluated: 2024-08-11. Review status: criteria provided, single submitter. Criteria: Ambry Variant Classification Scheme 2023. Collection method: clinical testing. Allele origin: germline.

Women's Health and Genetics/Laboratory Corporation of America, LabCorp
Classification: Uncertain significance. Last evaluated: 2024-07-08. Review status: criteria provided, single submitter. Criteria: LabCorp Variant Classification Summary - May 2015. Collection method: clinical testing. Allele origin: germline.
Comment: Variant summary: CACNA2D2 c.223C>T (p.Arg75Trp) results in a non-conservative amino acid change in the encoded protein sequence. Four of five in-silico tools predict a damaging effect of the variant on protein function. The variant allele was found at a frequency of 5.5e-05 in 216478 control chromosomes. This frequency is not significantly higher than estimated for a pathogenic variant in CACNA2D2 causing Cerebellar Atrophy With Seizures And Variable Developmental Delay, allowing no conclusion about variant significance. c.223C>T has been reported in the literature in an individual affected with epilepsy who underwent whole-exome sequencing (Al Anazi_2022). This report does not provide unequivocal conclusions about association of the variant with Cerebellar Atrophy With Seizures And Variable Developmental Delay. To our knowledge, no experimental evidence demonstrating an impact on protein function has been reported. The following publication has been ascertained in the context of this evaluation (PMID: 36539902). ClinVar contains an entry for this variant (Variation ID: 863596). Based on the evidence outlined above, the variant was classified as uncertain significance.

Revvity Omics, Revvity
Classification: Uncertain significance for Cerebellar atrophy with seizures and variable developmental delay. Last evaluated: 2022-07-06. Review status: criteria provided, single submitter. Criteria: ACMG Guidelines, 2015. Collection method: clinical testing. Allele origin: germline.

Mayo Clinic Laboratories, Mayo Clinic
Classification: Uncertain significance. Last evaluated: 2019-07-22. Review status: criteria provided, single submitter. Criteria: ACMG Guidelines, 2015. Collection method: clinical testing. Allele origin: germline. Observed: 1 variant allele.

Literature cited by the submitters: PubMed 36539902 (cited by Women's Health and Genetics/Laboratory Corporation of America, LabCorp).

NM_006030.4(CACNA2D2):c.223C>T (p.Arg75Trp)

Gene: CACNA2D2 (calcium voltage-gated channel auxiliary subunit alpha2delta 2; minus strand). Cytogenetic location: 3p21.31.
Variant type: single nucleotide variant.
Coding change: c.223C>T on transcript NM_006030.4 (MANE Select); coding-DNA position 223, C replaced by T.
Protein change: p.Arg75Trp; replaces arginine 75 with tryptophan.
Molecular consequence: missense variant.
Genome position (GRCh38, 1-based): chr3:50,476,183, G>A on the plus strand (C>T on the coding strand, the complement: CACNA2D2 is on the minus strand). VCF-style: chr3-50476183-G-A. GRCh37 (hg19) VCF-style: chr3-50513614-G-A.
Other names: c.223C>T (NM_001174051.1); c.223C>T, p.Arg75Trp (NM_001005505.3, NM_001174051.3); c.16C>T, p.Arg6Trp (NM_001291101.1); short protein forms R6W, R75W.
Identifiers: ClinVar variation 863596 (VCV000863596.15), dbSNP rs372777713, ClinGen allele CA2419294.